The following is an entry in ClinVar:

NM_001382391.1(CSPP1):c.1560T>A (p.Tyr520Ter)

Gene: CSPP1 (centrosome and spindle pole associated protein 1; plus strand). Cytogenetic location: 8q13.2.
Variant type: single nucleotide variant.
Coding change: c.1560T>A on transcript NM_001382391.1 (MANE Select); coding-DNA position 1560, T replaced by A.
Protein change: p.Tyr520Ter; replaces tyrosine 520 with a stop codon.
Molecular consequence: nonsense.
Genome position (GRCh38, 1-based): chr8:67,118,311, T>A. VCF-style: chr8-67118311-T-A. GRCh37 (hg19) VCF-style: chr8-68030546-T-A.
Other names: c.663T>A, p.Tyr221Ter (NM_001291339.2); c.1479T>A, p.Tyr493Ter (NM_001363131.2); c.1518T>A, p.Tyr506Ter (NM_001363132.2); c.1437T>A, p.Tyr479Ter (NM_001363133.2); c.1626T>A, p.Tyr542Ter (NM_001364869.1); c.1446T>A, p.Tyr482Ter (NM_001364870.1); c.1545T>A, p.Tyr515Ter (NM_024790.7); short protein forms Y493*, Y520*, Y221*, Y479*, Y506*, Y542*, Y482*, Y515*.
Identifiers: ClinVar variation 3669628 (VCV003669628.2).
Genomic context (GRCh38, chr8:67,118,311, plus strand): 5'-TGCACCTCTGCCTCCACCTCCCCTACTACCACCTTTGGCTACTAACTATCGAACTCCTTA[T>A]GATGATGCATACTATTTTTATGGGTCCAGGAATACTTTCGATCCCAGTCTTGCTTATTGT-3'

ClinVar aggregate classification (germline): Pathogenic (1 of 4 stars; one submission).

Conditions:
Joubert syndrome 21 (JBTS21). Identifiers: MedGen C3810212, MONDO:0014288, OMIM 615636.

Submission:

Labcorp Genetics (formerly Invitae), Labcorp
Classification: Pathogenic for Joubert syndrome 21. Last evaluated: 2024-08-31. Review status: criteria provided, single submitter. Criteria: Invitae Variant Classification Sherloc (09022015). Collection method: clinical testing. Allele origin: germline.
Comment: This sequence change creates a premature translational stop signal (p.Tyr515*) in the CSPP1 gene. It is expected to result in an absent or disrupted protein product. Loss-of-function variants in CSPP1 are known to be pathogenic (PMID: 24360807, 24360808). This variant is not present in population databases (gnomAD no frequency). This variant has not been reported in the literature in individuals affected with CSPP1-related conditions. For these reasons, this variant has been classified as Pathogenic.

Literature cited by the submitters: PubMed 24360807; PubMed 24360808.